The following is an entry in ClinVar:

NM_004656.4(BAP1):c.1853C>A (p.Pro618His)

Gene: BAP1 (BRCA1 associated deubiquitinase 1; minus strand). Cytogenetic location: 3p21.1.
Variant type: single nucleotide variant.
Coding change: c.1853C>A on transcript NM_004656.4 (MANE Select); coding-DNA position 1853, C replaced by A.
Protein change: p.Pro618His; replaces proline 618 with histidine.
Molecular consequence: missense variant.
Genome position (GRCh38, 1-based): chr3:52,403,175, G>T on the plus strand (C>A on the coding strand, the complement: BAP1 is on the minus strand). VCF-style: chr3-52403175-G-T. GRCh37 (hg19) VCF-style: chr3-52437191-G-T.
Other names: c.1799C>A, p.Pro600His (NM_001410772.1); short protein forms P600H, P618H.
Identifiers: ClinVar variation 4867343 (VCV004867343.1).

ClinVar aggregate classification (germline): Uncertain significance (1 of 4 stars; one submission).

Conditions:
Hereditary cancer-predisposing syndrome. Also called: Neoplastic Syndromes, Hereditary; Tumor predisposition; Hereditary Cancer Syndrome; Hereditary neoplastic syndrome. Identifiers: Orphanet 140162, MedGen C0027672, MeSH D009386, MONDO:0015356.

Submission:

Ambry Genetics
Classification: Uncertain significance for Hereditary cancer-predisposing syndrome. Last evaluated: 2026-03-26. Review status: criteria provided, single submitter. Criteria: Ambry Variant Classification Scheme 2023. Collection method: clinical testing. Allele origin: germline.
Comment: The p.P618H variant (also known as c.1853C>A), located in coding exon 14 of the BAP1 gene, results from a C to A substitution at nucleotide position 1853. The proline at codon 618 is replaced by histidine, an amino acid with similar properties. This amino acid position is conserved. In addition, this alteration is predicted to be tolerated by in silico analysis. Based on the available evidence, the clinical significance of this variant remains unclear.